The following is an entry in ClinVar:

ClinVar aggregate classification (germline): Uncertain significance. Review status: criteria provided, multiple submitters, no conflicts (2 of 4 stars). 3 submissions from 3 submitters: Uncertain significance (3). Last evaluated 2025-06-20.

Conditions:
Hereditary cancer-predisposing syndrome. Also called: Hereditary Cancer Syndrome; Tumor predisposition; Neoplastic Syndromes, Hereditary; Hereditary neoplastic syndrome. Identifiers: Orphanet 140162, MedGen C0027672, MeSH D009386, MONDO:0015356.
Hereditary pheochromocytoma and paraganglioma. Also called: Hereditary pheochromocytoma-paraganglioma; Hereditary paragangliomas and pheochromocytomas; Hereditary Paraganglioma-Pheochromocytoma Syndromes. Identifiers: Orphanet 29072, MedGen C4274332, MONDO:0017366.

Allele frequency attached by ClinVar (database versions not stated): gnomAD exomes below 0.00001; ExAC 0.00001; gnomAD 0.00001; 1000 Genomes Project 30x 0.00016; 1000 Genomes Project 0.00020.
gnomAD v4.1: 4 of 1,614,062 alleles (0.00025%); highest among the groups gnomAD compares: Non-Finnish European, 0.00034%; no homozygotes.

Submissions (3):

GeneDx
Classification: Uncertain significance. Last evaluated: 2025-06-20. Review status: criteria provided, single submitter. Criteria: GeneDx Variant Classification Process June 2021. Collection method: clinical testing. Allele origin: germline. Affected: yes.
Comment: Not observed at significant frequency in large population cohorts (gnomAD); In silico analysis supports that this missense variant has a deleterious effect on protein structure/function; Has not been previously published as pathogenic or benign to our knowledge

Labcorp Genetics (formerly Invitae), Labcorp
Classification: Uncertain significance for Hereditary pheochromocytoma and paraganglioma. Last evaluated: 2025-02-09. Review status: criteria provided, single submitter. Criteria: Invitae Variant Classification Sherloc (09022015). Collection method: clinical testing. Allele origin: germline.
Comment: This sequence change replaces methionine, which is neutral and non-polar, with valine, which is neutral and non-polar, at codon 97 of the SDHAF2 protein (p.Met97Val). This variant is present in population databases (rs201520416, gnomAD 0.0009%). This variant has not been reported in the literature in individuals affected with SDHAF2-related conditions. ClinVar contains an entry for this variant (Variation ID: 821929). An algorithm developed to predict the effect of missense changes on protein structure and function (PolyPhen-2) suggests that this variant is likely to be disruptive. In summary, the available evidence is currently insufficient to determine the role of this variant in disease. Therefore, it has been classified as a Variant of Uncertain Significance.

Ambry Genetics
Classification: Uncertain significance for Hereditary cancer-predisposing syndrome. Last evaluated: 2022-03-17. Review status: criteria provided, single submitter. Criteria: Ambry Variant Classification Scheme 2023. Collection method: clinical testing. Allele origin: germline.
Comment: The p.M97V variant (also known as c.289A>G), located in coding exon 3 of the SDHAF2 gene, results from an A to G substitution at nucleotide position 289. The methionine at codon 97 is replaced by valine, an amino acid with highly similar properties. This amino acid position is highly conserved in available vertebrate species. In addition, this alteration is predicted to be deleterious by in silico analysis. Since supporting evidence is limited at this time, the clinical significance of this alteration remains unclear.

NM_017841.4(SDHAF2):c.289A>G (p.Met97Val)

Gene: SDHAF2 (succinate dehydrogenase complex assembly factor 2; plus strand). Cytogenetic location: 11q12.2.
Variant type: single nucleotide variant.
Coding change: c.289A>G on transcript NM_017841.4 (MANE Select); coding-DNA position 289, A replaced by G.
Protein change: p.Met97Val; replaces methionine 97 with valine.
Molecular consequence: missense variant.
Genome position (GRCh38, 1-based): chr11:61,438,032, A>G. VCF-style: chr11-61438032-A-G. GRCh37 (hg19) VCF-style: chr11-61205504-A-G.
Other names: short protein forms M97V.
Identifiers: ClinVar variation 821929 (VCV000821929.14), dbSNP rs201520416, ClinGen allele CA058369.